The following is an entry in ClinVar:

NM_015158.5(KANK1):c.2968G>A (p.Ala990Thr)

Gene: KANK1 (KN motif and ankyrin repeat domains 1; plus strand). Cytogenetic location: 9p24.3.
Variant type: single nucleotide variant.
Coding change: c.2968G>A on transcript NM_015158.5 (MANE Select); coding-DNA position 2968, G replaced by A.
Protein change: p.Ala990Thr; replaces alanine 990 with threonine.
Molecular consequence: missense variant. On other transcripts: non-coding transcript variant (1).
Genome position (GRCh38, 1-based): chr9:731,229, G>A. VCF-style: chr9-731229-G-A. GRCh37 (hg19) VCF-style: chr9-731229-G-A.
Other names: c.2968G>A, p.Ala990Thr (NM_001256876.3, NM_001256877.3, NM_001354331.2 and 1 more transcripts); c.2914G>A, p.Ala972Thr (NM_001354332.2); c.2494G>A, p.Ala832Thr (NM_001354333.2, NM_001354335.2, NM_001354337.2 and 5 more transcripts); c.2440G>A, p.Ala814Thr (NM_001354336.2, NM_001354338.2, NM_001354340.2 and 1 more transcripts); c.2968G>A (NM_015158.2); short protein forms A814T, A972T, A990T, A832T.
Identifiers: ClinVar variation 1525327 (VCV001525327.10), dbSNP rs138899296, ClinGen allele CA4960709.

ClinVar aggregate classification (germline): Conflicting classifications of pathogenicity. Review status: criteria provided, conflicting classifications (1 of 4 stars). 3 submissions from 3 submitters: Uncertain significance (2); Likely benign (1). Last evaluated 2024-01-08.

Conditions:
Cerebral palsy, spastic quadriplegic, 2 (CPSQ2). Identifiers: Orphanet 210141, MedGen C2752061, MONDO:0013033, OMIM 612900.

Allele frequency attached by ClinVar (database versions not stated): ExAC 0.00002; gnomAD 0.00006; ESP Exome Variant Server 0.00023.
gnomAD v4.1: 35 of 1,609,618 alleles (0.0022%); highest among the groups gnomAD compares: Admixed American, 0.0033%; no homozygotes.

Submissions (3):

Ambry Genetics
Classification: Likely benign. Last evaluated: 2024-01-08. Review status: criteria provided, single submitter. Criteria: Ambry Variant Classification Scheme 2023. Collection method: clinical testing. Allele origin: germline.

Labcorp Genetics (formerly Invitae), Labcorp
Classification: Uncertain significance. Last evaluated: 2023-05-21. Review status: criteria provided, single submitter. Criteria: Invitae Variant Classification Sherloc (09022015). Collection method: clinical testing. Allele origin: germline.
Comment: In summary, the available evidence is currently insufficient to determine the role of this variant in disease. Therefore, it has been classified as a Variant of Uncertain Significance. Advanced modeling of protein sequence and biophysical properties (such as structural, functional, and spatial information, amino acid conservation, physicochemical variation, residue mobility, and thermodynamic stability) performed at Invitae indicates that this missense variant is not expected to disrupt KANK1 protein function. ClinVar contains an entry for this variant (Variation ID: 1525327). This variant has not been reported in the literature in individuals affected with KANK1-related conditions. This variant is present in population databases (rs138899296, gnomAD 0.006%). This sequence change replaces alanine, which is neutral and non-polar, with threonine, which is neutral and polar, at codon 990 of the KANK1 protein (p.Ala990Thr).

Fulgent Genetics
Classification: Uncertain significance for Cerebral palsy, spastic quadriplegic, 2. Last evaluated: 2021-11-30. Review status: criteria provided, single submitter. Criteria: ACMG Guidelines, 2015. Collection method: clinical testing. Allele origin: unknown.